The following is an entry in ClinVar:

NM_014363.6(SACS):c.12886A>C (p.Lys4296Gln)

Gene: SACS (sacsin molecular chaperone; minus strand). Cytogenetic location: 13q12.12.
Variant type: single nucleotide variant.
Coding change: c.12886A>C on transcript NM_014363.6 (MANE Select); coding-DNA position 12886, A replaced by C.
Protein change: p.Lys4296Gln; replaces lysine 4296 with glutamine.
Molecular consequence: missense variant.
Genome position (GRCh38, 1-based): chr13:23,330,990, T>G on the plus strand (A>C on the coding strand, the complement: SACS is on the minus strand). VCF-style: chr13-23330990-T-G. GRCh37 (hg19) VCF-style: chr13-23905129-T-G.
Other names: p.Lys4296Gln; c.12445A>C, p.Lys4149Gln (NM_001278055.2); c.12913A>C, p.Lys4305Gln (NM_001437336.1); short protein forms K4149Q, K4305Q, K4296Q.
Identifiers: ClinVar variation 4541754 (VCV004541754.1).

ClinVar aggregate classification (germline): Uncertain significance (1 of 4 stars; one submission).

gnomAD v4.1: 28 of 1,613,970 alleles (0.0017%); highest among the groups gnomAD compares: Non-Finnish European, 0.0023%; no homozygotes.

Submission:

Mayo Clinic Laboratories, Mayo Clinic
Classification: Uncertain significance. Last evaluated: 2025-07-30. Review status: criteria provided, single submitter. Criteria: ACMG Guidelines, 2015. Collection method: clinical testing. Allele origin: germline. Observed: 1 variant allele.
Comment: PM2_supporting